The following is an entry in ClinVar:

ClinVar aggregate classification (germline): Conflicting classifications of pathogenicity. Review status: criteria provided, conflicting classifications (1 of 4 stars). 4 submissions from 4 submitters: Uncertain significance (1); Likely benign (1). 2 of the submissions do not count toward it. Last evaluated 2023-02-10.

Conditions:
Genetic non-acquired premature ovarian failure. Identifiers: Orphanet 485382, MedGen C5925042.
Premature ovarian failure 5 (POF5). Identifiers: MedGen C1969060, MONDO:0012689, OMIM 611548.

Allele frequency attached by ClinVar (database versions not stated): TOPMed 0.00005; gnomAD 0.00007 and 0.00004.
gnomAD v4.1: 147 of 1,611,620 alleles (0.0091%); highest among the groups gnomAD compares: South Asian, 0.028%; 1 homozygote.

Submissions (4):

GeneDx
Classification: Uncertain significance. Last evaluated: 2023-02-10. Review status: criteria provided, single submitter. Criteria: GeneDx Variant Classification Process June 2021. Collection method: clinical testing. Allele origin: germline. Affected: yes.
Comment: Reported in the heterozygous state in a patient with primary ovarian failure in published literature (Qin et al., 2007); In silico analysis supports that this missense variant has a deleterious effect on protein structure/function; This variant is associated with the following publications: (PMID: 34426522, 31589614, 31293321, 17701902)

Illumina Laboratory Services, Illumina
Classification: Likely benign for Premature ovarian failure 5. Last evaluated: 2017-10-20. Review status: criteria provided, single submitter. Criteria: ICSL Variant Classification Criteria 13 December 2019. Collection method: clinical testing. Allele origin: germline.
Comment: This variant was observed as part of a predisposition screen in an ostensibly healthy population. A literature search was performed for the gene, cDNA change, and amino acid change (where applicable). Publications were found based on this search. The evidence from the literature, in combination with allele frequency data from public databases where available, was sufficient to determine this variant is unlikely to cause disease. Therefore, this variant is classified as likely benign.

Center for Reproductive Medicine, Shandong Provincial Hospital Affiliated to Shandong University
Classification: Pathogenic for Genetic non-acquired premature ovarian failure. Last evaluated: 2019-10-01. Review status: no assertion criteria provided. Collection method: research. Allele origin: maternal. Affected: yes. Observed: 1 variant allele. Not counted in ClinVar's aggregate classification.

OMIM
Classification: Pathogenic for PREMATURE OVARIAN FAILURE 5. Last evaluated: 2007-09-01. Review status: no assertion criteria provided. Collection method: literature only. Allele origin: germline. Not counted in ClinVar's aggregate classification.

Literature cited by the submitters: PubMed 17701902 (cited by Illumina Laboratory Services, Illumina and OMIM).

NM_001436401.1(NOBOX):c.713G>A (p.Arg238His)

Gene: NOBOX (NOBOX oogenesis homeobox; minus strand). Cytogenetic location: 7q35.
Variant type: single nucleotide variant.
Coding change: c.713G>A on transcript NM_001436401.1 (MANE Select); coding-DNA position 713, G replaced by A.
Protein change: p.Arg238His; replaces arginine 238 with histidine.
Molecular consequence: missense variant.
Genome position (GRCh38, 1-based): chr7:144,399,847, C>T on the plus strand (G>A on the coding strand, the complement: NOBOX is on the minus strand). VCF-style: chr7-144399847-C-T. GRCh37 (hg19) VCF-style: chr7-144096940-C-T.
Other names: R355H; NM_001080413.3:c.1064G>A; c.161G>A, p.Arg54His (NM_001436402.1); short protein forms R238H, R54H.
Identifiers: ClinVar variation 1083 (VCV000001083.8), dbSNP rs201947677, ClinGen allele CA114740.
Genomic context (GRCh38, chr7:144,399,847, plus strand): 5'-GCAGGATTGTCCTTGCTTTCTTTCCCATTCAGTTTCTCCATTTTTCGCCACTTGGCCCGG[C>T]GATTCTGGAACCACACCTATGGGGGGAAAGGTGCTTGAAGAACTGGAGAAGAGGGGCAGA-3'
Protein context (NP_001423330.1, residues 228-248): PQRIMVWFQN[Arg238His]RAKWRKMEKL